The following is an entry in ClinVar:

ClinVar aggregate classification (germline): Likely benign (0 of 4 stars; one submission).

Conditions:
MBOAT7-related disorder. Also called: MBOAT7-related condition.

Allele frequency attached by ClinVar (database versions not stated): gnomAD exomes 0.00003; TOPMed 0.00009; gnomAD 0.00011; ExAC 0.00013; 1000 Genomes Project 0.00120; 1000 Genomes Project 30x 0.00141.
gnomAD v4.1: 74 of 1,614,012 alleles (0.0046%); highest among the groups gnomAD compares: East Asian, 0.13%; no homozygotes.

Submission:

PreventionGenetics, part of Exact Sciences
Classification: Likely benign for MBOAT7-related condition. Last evaluated: 2022-03-16. Review status: no assertion criteria provided. Collection method: clinical testing. Allele origin: germline.
Comment: This variant is classified as likely benign based on ACMG/AMP sequence variant interpretation guidelines (Richards et al. 2015 PMID: 25741868, with internal and published modifications).

NM_024298.5(MBOAT7):c.120G>A (p.Gly40=)

Gene: MBOAT7 (membrane bound acylglycerophosphatidylinositol O-acyltransferase MBOAT7; minus strand). Cytogenetic location: 19q13.42.
Variant type: single nucleotide variant.
Coding change: c.120G>A on transcript NM_024298.5 (MANE Select); coding-DNA position 120, G replaced by A.
Protein change: p.Gly40=; no amino-acid change (glycine 40 retained).
Molecular consequence: synonymous variant. On other transcripts: missense variant (2).
Genome position (GRCh38, 1-based): chr19:54,188,303, C>T on the plus strand (G>A on the coding strand, the complement: MBOAT7 is on the minus strand). VCF-style: chr19-54188303-C-T. GRCh37 (hg19) VCF-style: chr19-54692157-C-T.
Other names: c.28G>A, p.Ala10Thr (NM_001146056.3, NM_001146083.3); c.120G>A, p.Gly40= (NM_001146082.3); short protein forms A10T.
Identifiers: ClinVar variation 3046898 (VCV003046898.2), dbSNP rs200505526, ClinGen allele CA309369103.